The following is an entry in ClinVar:

ClinVar aggregate classification (germline): Uncertain significance. Review status: criteria provided, multiple submitters, no conflicts (2 of 4 stars). 2 submissions from 2 submitters: Uncertain significance (2). Last evaluated 2023-10-06.

Conditions:
Hypertrophic cardiomyopathy. Also called: HYPERTROPHIC MYOCARDIOPATHY. Identifiers: Orphanet 217569, MedGen C0007194, MeSH D002312, MONDO:0005045, HP:0001639.

Submissions (2):

All of Us Research Program, National Institutes of Health
Classification: Uncertain significance for Hypertrophic cardiomyopathy. Last evaluated: 2023-10-06. Review status: criteria provided, single submitter. Criteria: ACMG Guidelines, 2015. Collection method: clinical testing. Allele origin: germline. Inheritance: Autosomal dominant inheritance. Observed: 2 variant alleles, 2 heterozygotes.
Comment: This missense variant replaces proline with leucine at codon 142 of the TNNI3 protein. Computational prediction suggests that this variant may have deleterious impact on protein structure and function (internally defined REVEL score threshold >= 0.7, PMID: 27666373). To our knowledge, functional studies have not been reported for this variant. This variant has not been reported in individuals affected with TNNI3-related disorders in the literature. This variant has not been identified in the general population by the Genome Aggregation Database (gnomAD). The available evidence is insufficient to determine the role of this variant in disease conclusively. Therefore, this variant is classified as a Variant of Uncertain Significance.

This study involves interpretation of variants in research participants for the purpose of population health screening. Participant phenotype was not available at the time of variant classification. Additional details can be found in publication PMID: 35346344, PMCID: PMC8962531

Labcorp Genetics (formerly Invitae), Labcorp
Classification: Uncertain significance for Hypertrophic cardiomyopathy. Last evaluated: 2021-09-20. Review status: criteria provided, single submitter. Criteria: Invitae Variant Classification Sherloc (09022015). Collection method: clinical testing. Allele origin: germline.
Comment: This sequence change replaces proline with leucine at codon 142 of the TNNI3 protein (p.Pro142Leu). The proline residue is highly conserved and there is a moderate physicochemical difference between proline and leucine. This variant is not present in population databases (ExAC no frequency). This variant has not been reported in the literature in individuals affected with TNNI3-related conditions. Algorithms developed to predict the effect of missense changes on protein structure and function (SIFT, PolyPhen-2, Align-GVGD) all suggest that this variant is likely to be disruptive. In summary, the available evidence is currently insufficient to determine the role of this variant in disease. Therefore, it has been classified as a Variant of Uncertain Significance.

NM_000363.5(TNNI3):c.425C>T (p.Pro142Leu)

Gene: TNNI3 (troponin I3, cardiac type; minus strand). Cytogenetic location: 19q13.42.
Variant type: single nucleotide variant.
Coding change: c.425C>T on transcript NM_000363.5 (MANE Select); coding-DNA position 425, C replaced by T.
Protein change: p.Pro142Leu; replaces proline 142 with leucine.
Molecular consequence: missense variant.
Genome position (GRCh38, 1-based): chr19:55,154,154, G>A on the plus strand (C>T on the coding strand, the complement: TNNI3 is on the minus strand). VCF-style: chr19-55154154-G-A. GRCh37 (hg19) VCF-style: chr19-55665522-G-A.
Other names: short protein forms P142L.
Identifiers: ClinVar variation 1382452 (VCV001382452.7), dbSNP rs2147283285, ClinGen allele CA407440569.